The following is an entry in ClinVar:

NM_001441509.1(FXR1):c.1762dup (p.Arg588fs)

Gene: FXR1 (FMR1 autosomal homolog 1; plus strand). Cytogenetic location: 3q26.33.
Variant type: Duplication.
Coding change: c.1762dup on transcript NM_001441509.1 (MANE Plus Clinical); coding-DNA position 1762, one base duplicated (A; older notation c.1762dupA).
Protein change: p.Arg588fs; shifts the reading frame from arginine 588.
Molecular consequence: frameshift variant. On other transcripts: intron variant (7).
Genome position (GRCh38, 1-based): chr3:180,971,146, A duplicated. VCF-style (leftmost placement, unchanged base first): chr3-180971145-T-TA. GRCh37 (hg19) VCF-style: chr3-180688933-T-TA.
Other names: c.1675dup, p.Arg559fs (NM_001441512.1); c.1762dup, p.Arg588fs (NM_001441513.1); c.1348+788dup (NM_001013439.3, NM_001363882.1); c.1690+788dup (NM_001441510.1, NM_001441514.1); c.1603+788dup (NM_005087.4, NM_001013438.3); c.1456+788dup (NM_001441515.1); short protein forms R559fs, R588fs.
Identifiers: ClinVar variation 4855120 (VCV004855120.1).

ClinVar aggregate classification (germline): Uncertain significance (1 of 4 stars; one submission).

Conditions:
Myopathy, congenital proximal, with minicore lesions. Identifiers: MedGen C5394193, MONDO:0032937, OMIM 618823.

Submission:

3billion
Classification: Uncertain significance for Myopathy, congenital proximal, with minicore lesions. Last evaluated: 2026-01-14. Review status: criteria provided, single submitter. Criteria: ACMG Guidelines, 2015. Collection method: clinical testing. Allele origin: germline. Affected: yes.
Comment: The variant is not observed in the gnomAD v4.1.0 dataset. Predicted Consequence/Location: Intron variant In silico tools suggest that the variant may affect splicing and result in an abnormal transcript; however, the SpliceAI score is 0.11 (spliceogenicity ≥ 0.2, non-spliceogenicity < 0.1), which is below the threshold for a significant prediction. Therefore, functional studies are warranted to determine the precise impact of this variant on splicing. Therefore, this variant is classified as VUS according to the recommendation of ACMG/AMP guideline.